The following is an entry in ClinVar:

NM_002444.3(MSN):c.1459G>A (p.Gly487Arg)

Gene: MSN (moesin; plus strand). Cytogenetic location: Xq12.
Variant type: single nucleotide variant.
Coding change: c.1459G>A on transcript NM_002444.3 (MANE Select); coding-DNA position 1459, G replaced by A.
Protein change: p.Gly487Arg; replaces glycine 487 with arginine.
Molecular consequence: missense variant.
Genome position (GRCh38, 1-based): chrX:65,739,084, G>A. VCF-style: chrX-65739084-G-A. GRCh37 (hg19) VCF-style: chrX-64958946-G-A.
Other names: c.1462G>A, p.Gly488Arg (NM_001440778.1); short protein forms G488R, G487R.
Identifiers: ClinVar variation 4732740 (VCV004732740.1).

ClinVar aggregate classification (germline): Uncertain significance (1 of 4 stars; one submission).

Submission:

Labcorp Genetics (formerly Invitae), Labcorp
Classification: Uncertain significance. Last evaluated: 2025-12-08. Review status: criteria provided, single submitter. Criteria: Invitae Variant Classification Sherloc (09022015). Collection method: clinical testing. Allele origin: germline.
Comment: This sequence change replaces glycine, which is neutral and non-polar, with arginine, which is basic and polar, at codon 487 of the MSN protein (p.Gly487Arg). This variant is not present in population databases (gnomAD no frequency). This variant has not been reported in the literature in individuals affected with MSN-related conditions. An algorithm developed to predict the effect of missense changes on protein structure and function (PolyPhen-2) suggests that this variant is likely to be tolerated. In summary, the available evidence is currently insufficient to determine the role of this variant in disease. Therefore, it has been classified as a Variant of Uncertain Significance.